The following is an entry in ClinVar:

ClinVar aggregate classification (germline): Uncertain significance (1 of 4 stars; one submission).

Conditions:
Hereditary cancer-predisposing syndrome. Also called: Neoplastic Syndromes, Hereditary; Tumor predisposition; Hereditary Cancer Syndrome; Hereditary neoplastic syndrome. Identifiers: Orphanet 140162, MedGen C0027672, MeSH D009386, MONDO:0015356.

Allele frequency attached by ClinVar (database versions not stated): gnomAD exomes below 0.00001.
gnomAD v4.1: 1 of 1,609,114 alleles (0.000062%); highest among the groups gnomAD compares: Non-Finnish European, 0.000085%; no homozygotes.

Submission:

Ambry Genetics
Classification: Uncertain significance for Hereditary cancer-predisposing syndrome. Last evaluated: 2022-07-06. Review status: criteria provided, single submitter. Criteria: Ambry Variant Classification Scheme 2023. Collection method: clinical testing. Allele origin: germline.
Comment: The p.A273G variant (also known as c.818C>G), located in coding exon 8 of the CDC73 gene, results from a C to G substitution at nucleotide position 818. The alanine at codon 273 is replaced by glycine, an amino acid with similar properties. This amino acid position is conserved. In addition, this alteration is predicted to be tolerated by in silico analysis. Since supporting evidence is limited at this time, the clinical significance of this alteration remains unclear.

NM_024529.5(CDC73):c.818C>G (p.Ala273Gly)

Gene: CDC73 (cell division cycle 73; plus strand). Cytogenetic location: 1q31.2.
Variant type: single nucleotide variant.
Coding change: c.818C>G on transcript NM_024529.5 (MANE Select); coding-DNA position 818, C replaced by G.
Protein change: p.Ala273Gly; replaces alanine 273 with glycine.
Molecular consequence: missense variant.
Genome position (GRCh38, 1-based): chr1:193,147,955, C>G. VCF-style: chr1-193147955-C-G. GRCh37 (hg19) VCF-style: chr1-193117085-C-G.
Other names: short protein forms A273G.
Identifiers: ClinVar variation 1762343 (VCV001762343.2), dbSNP rs2103130620, ClinGen allele CA343964229.